The following is an entry in ClinVar:

NM_015330.6(SPECC1L):c.2125C>G (p.Leu709Val)

Genes: SPECC1L (sperm antigen with calponin homology and coiled-coil domains 1 like; plus strand), SPECC1L-ADORA2A (SPECC1L-ADORA2A readthrough (NMD candidate); plus strand). Cytogenetic location: 22q11.23.
Variant type: single nucleotide variant.
Coding change: c.2125C>G on transcript NM_015330.6 (MANE Select); coding-DNA position 2125, C replaced by G.
Protein change: p.Leu709Val; replaces leucine 709 with valine.
Molecular consequence: missense variant. On other transcripts: non-coding transcript variant (1).
Genome position (GRCh38, 1-based): chr22:24,324,406, C>G. VCF-style: chr22-24324406-C-G. GRCh37 (hg19) VCF-style: chr22-24720374-C-G.
Other names: c.2125C>G, p.Leu709Val (NM_001145468.4, NM_001254732.3); short protein forms L709V.
Identifiers: ClinVar variation 4985401 (VCV004985401.1).

ClinVar aggregate classification (germline): Uncertain significance (1 of 4 stars; one submission).

Conditions:
SPECC1L-related disorder. Also called: SPECC1L-related condition.

gnomAD v4.1: 1 of 1,613,812 alleles (0.000062%); highest among the groups gnomAD compares: Admixed American, 0.0017%; no homozygotes.

Submission:

PreventionGenetics, part of Exact Sciences
Classification: Uncertain significance for SPECC1L-related condition. Last evaluated: 2025-03-18. Review status: criteria provided, single submitter. Criteria: ACMG Guidelines, 2015. Collection method: clinical testing. Allele origin: germline.
Comment: The SPECC1L c.2125C>G variant is predicted to result in the amino acid substitution p.Leu709Val. To our knowledge, this variant has not been reported in the literature. This variant is reported in 0.0029% of alleles in individuals of Latino descent in gnomAD. At this time, the clinical significance of this variant is uncertain due to the absence of conclusive functional and genetic evidence.